The following is an entry in ClinVar:

NM_019032.6(ADAMTSL4):c.826C>T (p.Arg276Cys)

Genes: ADAMTSL4 (ADAMTS like 4; plus strand), ADAMTSL4-AS2 (ADAMTSL4 antisense RNA 2; minus strand). Cytogenetic location: 1q21.2.
Variant type: single nucleotide variant.
Coding change: c.826C>T on transcript NM_019032.6 (MANE Select); coding-DNA position 826, C replaced by T.
Protein change: p.Arg276Cys; replaces arginine 276 with cysteine.
Molecular consequence: missense variant.
Genome position (GRCh38, 1-based): chr1:150,553,817, C>T. VCF-style: chr1-150553817-C-T. GRCh37 (hg19) VCF-style: chr1-150526293-C-T.
Other names: c.826C>T, p.Arg276Cys (NM_001288607.2, NM_001288608.2, NM_001378596.1 and 1 more transcripts); short protein forms R276C.
Identifiers: ClinVar variation 1967400 (VCV001967400.2), dbSNP rs753550085, ClinGen allele CA1078046.
Genomic context (GRCh38, chr1:150,553,817, plus strand): 5'-CAGGCCTCTGGCACAGAGCCCCCCTCACCCACGCACTCCTTAGGAGAAGGTGGCTTCTTC[C>T]GTGCATCCCCTCAGCCACGAAGGCCAAGTTCCCAGGGTTGGGCCAGTCCCCAGGTAGCAG-3'
Protein context (NP_061905.2, residues 266-286): THSLGEGGFF[Arg276Cys]ASPQPRRPSS

ClinVar aggregate classification (germline): Uncertain significance (1 of 4 stars; one submission).

Allele frequency attached by ClinVar (database versions not stated): ExAC 0.00001.
gnomAD v4.1: 13 of 1,613,922 alleles (0.00081%); highest among the groups gnomAD compares: South Asian, 0.0055%; no homozygotes.

Submission:

Labcorp Genetics (formerly Invitae), Labcorp
Classification: Uncertain significance. Last evaluated: 2022-06-12. Review status: criteria provided, single submitter. Criteria: Invitae Variant Classification Sherloc (09022015). Collection method: clinical testing. Allele origin: germline.
Comment: This sequence change replaces arginine, which is basic and polar, with cysteine, which is neutral and slightly polar, at codon 276 of the ADAMTSL4 protein (p.Arg276Cys). This variant is present in population databases (rs753550085, gnomAD 0.006%). This variant has not been reported in the literature in individuals affected with ADAMTSL4-related conditions. Algorithms developed to predict the effect of missense changes on protein structure and function are either unavailable or do not agree on the potential impact of this missense change (SIFT: "Deleterious"; PolyPhen-2: "Benign"; Align-GVGD: "Class C0"). In summary, the available evidence is currently insufficient to determine the role of this variant in disease. Therefore, it has been classified as a Variant of Uncertain Significance.